The following is an entry in ClinVar:

ClinVar aggregate classification (germline): Uncertain significance (1 of 4 stars; one submission).

Conditions:
Hypoplastic left heart syndrome. Also called: Hypoplastic left heart; Hypoplastic left ventricle. Identifiers: Orphanet 2248, MedGen C0152101, MONDO:0004933, HP:0004383.

Allele frequency attached by ClinVar (database versions not stated): TOPMed 0.00003.
gnomAD v4.1: 6 of 1,587,564 alleles (0.00038%); highest among the groups gnomAD compares: Admixed American, 0.0069%; no homozygotes.

Submission:

Labcorp Genetics (formerly Invitae), Labcorp
Classification: Uncertain significance for Hypoplastic left heart syndrome. Last evaluated: 2026-02-03. Review status: criteria provided, single submitter. Criteria: Invitae Variant Classification Sherloc (09022015). Collection method: clinical testing. Allele origin: germline.
Comment: This sequence change replaces alanine, which is neutral and non-polar, with threonine, which is neutral and polar, at codon 66 of the HAND1 protein (p.Ala66Thr). This variant is present in population databases (no rsID available, gnomAD 0.01%). This variant has not been reported in the literature in individuals affected with HAND1-related conditions. ClinVar contains an entry for this variant (Variation ID: 1974560). An algorithm developed to predict the effect of missense changes on protein structure and function outputs the following: PolyPhen-2: "Benign". The threonine amino acid residue is found in multiple mammalian species, which suggests that this missense change does not adversely affect protein function. In summary, the available evidence is currently insufficient to determine the role of this variant in disease. Therefore, it has been classified as a Variant of Uncertain Significance.

NM_004821.3(HAND1):c.196G>A (p.Ala66Thr)

Gene: HAND1 (heart and neural crest derivatives expressed 1; minus strand). Cytogenetic location: 5q33.2.
Variant type: single nucleotide variant.
Coding change: c.196G>A on transcript NM_004821.3 (MANE Select); coding-DNA position 196, G replaced by A.
Protein change: p.Ala66Thr; replaces alanine 66 with threonine.
Molecular consequence: missense variant.
Genome position (GRCh38, 1-based): chr5:154,477,813, C>T on the plus strand (G>A on the coding strand, the complement: HAND1 is on the minus strand). VCF-style: chr5-154477813-C-T. GRCh37 (hg19) VCF-style: chr5-153857373-C-T.
Other names: short protein forms A66T.
Identifiers: ClinVar variation 1974560 (VCV001974560.5), dbSNP rs1190602578, ClinGen allele CA361923204.